The following is an entry in ClinVar:

NM_198253.3(TERT):c.2987C>A (p.Thr996Lys)

Gene: TERT (telomerase reverse transcriptase; minus strand). Cytogenetic location: 5p15.33.
Variant type: single nucleotide variant.
Coding change: c.2987C>A on transcript NM_198253.3 (MANE Select); coding-DNA position 2987, C replaced by A.
Protein change: p.Thr996Lys; replaces threonine 996 with lysine.
Molecular consequence: missense variant. On other transcripts: non-coding transcript variant (2).
Genome position (GRCh38, 1-based): chr5:1,258,643, G>T on the plus strand (C>A on the coding strand, the complement: TERT is on the minus strand). VCF-style: chr5-1258643-G-T. GRCh37 (hg19) VCF-style: chr5-1258758-G-T.
Other names: c.2798C>A, p.Thr933Lys (NM_001193376.3); short protein forms T996K, T933K.
Identifiers: ClinVar variation 664351 (VCV000664351.9), dbSNP rs1223394183, ClinGen allele CA359068929.

ClinVar aggregate classification (germline): Uncertain significance (1 of 4 stars; one submission).

Conditions:
Idiopathic Pulmonary Fibrosis. Also called: Idiopathic fibrosing alveolitis, chronic form; idiopathic fibrosing alveolitis. Identifiers: Orphanet 2032, MedGen C1800706, MeSH D054990, MONDO:0800504.
Dyskeratosis congenita, autosomal dominant 2. Identifiers: MedGen C3151443, MONDO:0013521, OMIM 613989.

Submission:

Labcorp Genetics (formerly Invitae), Labcorp
Classification: Uncertain significance for Dyskeratosis congenita, autosomal dominant 2; Idiopathic Pulmonary Fibrosis. Last evaluated: 2018-09-17. Review status: criteria provided, single submitter. Criteria: Invitae Variant Classification Sherloc (09022015). Collection method: clinical testing. Allele origin: germline.
Comment: In summary, the available evidence is currently insufficient to determine the role of this variant in disease. Therefore, it has been classified as a Variant of Uncertain Significance. Algorithms developed to predict the effect of missense changes on protein structure and function are either unavailable or do not agree on the potential impact of this missense change (SIFT: "Deleterious"; PolyPhen-2: "Benign"; Align-GVGD: "Class C15"). This variant has not been reported in the literature in individuals with TERT-related disease. This variant is not present in population databases (ExAC no frequency). This sequence change replaces threonine with lysine at codon 996 of the TERT protein (p.Thr996Lys). The threonine residue is highly conserved and there is a moderate physicochemical difference between threonine and lysine.